The following is an entry in ClinVar:

ClinVar aggregate classification (germline): Uncertain significance (1 of 4 stars; one submission).

Conditions:
Primary ciliary dyskinesia. Also called: Ciliary dyskinesia. Identifiers: Orphanet 244, MedGen C0008780, MONDO:0016575, HP:0012265.

Allele frequency attached by ClinVar (database versions not stated): ExAC 0.00001; gnomAD exomes 0.00005.
gnomAD v4.1: 69 of 1,613,676 alleles (0.0043%); highest among the groups gnomAD compares: Non-Finnish European, 0.0058%; no homozygotes.

Submission:

Ambry Genetics
Classification: Uncertain significance for Primary ciliary dyskinesia. Last evaluated: 2019-11-14. Review status: criteria provided, single submitter. Criteria: Ambry Variant Classification Scheme 2023. Collection method: clinical testing. Allele origin: germline.
Comment: The p.I4389V variant (also known as c.13165A>G), located in coding exon 81 of the DNAH11 gene, results from an A to G substitution at nucleotide position 13165. The isoleucine at codon 4389 is replaced by valine, an amino acid with highly similar properties. This amino acid position is not well conserved in available vertebrate species, and valive is the reference amino acid in other vertebrate species. In addition, this alteration is predicted to be tolerated by in silico analysis. Since supporting evidence is limited at this time, the clinical significance of this alteration remains unclear.

NM_001277115.2(DNAH11):c.13165A>G (p.Ile4389Val)

Gene: DNAH11 (dynein axonemal heavy chain 11; plus strand). Cytogenetic location: 7p15.3.
Variant type: single nucleotide variant.
Coding change: c.13165A>G on transcript NM_001277115.2 (MANE Select); coding-DNA position 13165, A replaced by G.
Protein change: p.Ile4389Val; replaces isoleucine 4389 with valine.
Molecular consequence: missense variant.
Genome position (GRCh38, 1-based): chr7:21,899,982, A>G. VCF-style: chr7-21899982-A-G. GRCh37 (hg19) VCF-style: chr7-21939600-A-G.
Other names: c.13186A>G, p.Ile4396Val (NM_003777.3); short protein forms I4389V, I4396V.
Identifiers: ClinVar variation 1769790 (VCV001769790.2), dbSNP rs763695891, ClinGen allele CA4183354.
Genomic context (GRCh38, chr7:21,899,982, plus strand): 5'-CCCGGGAACCTTACATGCAACACTTTTATCCTATTCAATTTTTGTTATATTTCCAAAGCA[A>G]TCATGCAGACGATGGCTCGAAAAAATGAGTGGCCCCTGGATAAAACGCGCTTGACTGCTG-3'
Protein context (NP_001264044.1, residues 4379-4399): FFNPQSFLTA[Ile4389Val]MQTMARKNEW